The following is an entry in ClinVar:

NM_032578.4(MYPN):c.2263C>G (p.Gln755Glu)

Gene: MYPN (myopalladin; plus strand). Cytogenetic location: 10q21.3.
Variant type: single nucleotide variant.
Coding change: c.2263C>G on transcript NM_032578.4 (MANE Select); coding-DNA position 2263, C replaced by G.
Protein change: p.Gln755Glu; replaces glutamine 755 with glutamic acid.
Molecular consequence: missense variant. On other transcripts: non-coding transcript variant (2).
Genome position (GRCh38, 1-based): chr10:68,174,355, C>G. VCF-style: chr10-68174355-C-G. GRCh37 (hg19) VCF-style: chr10-69934112-C-G.
Other names: c.2263C>G, p.Gln755Glu (NM_001256267.2); c.1381C>G, p.Gln461Glu (NM_001256268.2); short protein forms Q461E, Q755E.
Identifiers: ClinVar variation 3252337 (VCV003252337.1), dbSNP rs540854457.

ClinVar aggregate classification (germline): Uncertain significance (1 of 4 stars; one submission).

Allele frequency attached by ClinVar (database versions not stated): ExAC 0.00001; gnomAD exomes 0.00001; TOPMed 0.00002.
gnomAD v4.1: 4 of 1,614,170 alleles (0.00025%); highest among the groups gnomAD compares: Admixed American, 0.0067%; no homozygotes.

Submission:

GeneDx
Classification: Uncertain significance. Last evaluated: 2024-04-18. Review status: criteria provided, single submitter. Criteria: GeneDx Variant Classification Process June 2021. Collection method: clinical testing. Allele origin: germline. Affected: yes.
Comment: Not observed at significant frequency in large population cohorts (gnomAD); In silico analysis indicates that this missense variant does not alter protein structure/function; Has not been previously published as pathogenic or benign to our knowledge